The following is an entry in ClinVar:

NM_006744.4(RBP4):c.248+1G>A

Gene: RBP4 (retinol binding protein 4; minus strand). Cytogenetic location: 10q23.33.
Variant type: single nucleotide variant.
Coding change: c.248+1G>A on transcript NM_006744.4 (MANE Select); the canonical splice donor site of the intron after coding-DNA position 248, G replaced by A.
Molecular consequence: splice donor variant.
Genome position (GRCh38, 1-based): chr10:93,600,666, C>T on the plus strand (G>A on the coding strand, the complement: RBP4 is on the minus strand). VCF-style: chr10-93600666-C-T. GRCh37 (hg19) VCF-style: chr10-95360423-C-T.
Other names: c.242+1G>A (NM_001323518.2); c.248+1G>A (NM_001323517.1).
Identifiers: ClinVar variation 438114 (VCV000438114.2), dbSNP rs111785373, ClinGen allele CA377617809.
Genomic context (GRCh38, chr10:93,600,666, plus strand): 5'-AGGCAGGGCCCTTGGGGAACCCTGGAGCGCAAAGGGCGCAGCTGCCCCGGCGGCCACTGA[C>T]TTCAAAAGACGGACTCGGCCCTTGGCTGTGGCGCTCATCTGGCCGGTCTCGTCCACGGAG-3'

ClinVar aggregate classification (germline): Likely pathogenic (0 of 4 stars; one submission).

Conditions:
Abnormality of the eye. Identifiers: MedGen C4316870, HP:0000478.

Submission:

NIHR Bioresource Rare Diseases, University of Cambridge
Classification: Likely pathogenic for Disorder of eye. Last evaluated: 2015-01-01. Review status: no assertion criteria provided. Collection method: research. Allele origin: unknown. Affected: yes. Observed: 1 variant allele.
Comment: Rare ocular disorder associated to additional undetermined phenotypes

Literature cited by the submitters: PubMed 28041643.